The following is an entry in ClinVar:

ClinVar aggregate classification (germline): Uncertain significance (1 of 4 stars; one submission).

Conditions:
Niemann-Pick disease, type C2 (NPC2). Identifiers: Orphanet 646, MedGen C1843366, MONDO:0011873, OMIM 607625.

gnomAD v4.1: 1 of 1,603,832 alleles (0.000062%); highest among the groups gnomAD compares: Non-Finnish European, 0.000085%; no homozygotes.

Submission:

Labcorp Genetics (formerly Invitae), Labcorp
Classification: Uncertain significance for Niemann-Pick disease, type C2. Last evaluated: 2022-10-17. Review status: criteria provided, single submitter. Criteria: Invitae Variant Classification Sherloc (09022015). Collection method: clinical testing. Allele origin: germline.
Comment: This sequence change replaces serine, which is neutral and polar, with cysteine, which is neutral and slightly polar, at codon 54 of the NPC2 protein (p.Ser54Cys). This variant is not present in population databases (gnomAD no frequency). This variant has not been reported in the literature in individuals affected with NPC2-related conditions. Algorithms developed to predict the effect of missense changes on protein structure and function are either unavailable or do not agree on the potential impact of this missense change (SIFT: "Deleterious"; PolyPhen-2: "Probably Damaging"; Align-GVGD: "Class C15"). In summary, the available evidence is currently insufficient to determine the role of this variant in disease. Therefore, it has been classified as a Variant of Uncertain Significance.

NM_006432.5(NPC2):c.161C>G (p.Ser54Cys)

Gene: NPC2 (NPC intracellular cholesterol transporter 2; minus strand). Cytogenetic location: 14q24.3.
Variant type: single nucleotide variant.
Coding change: c.161C>G on transcript NM_006432.5 (MANE Select); coding-DNA position 161, C replaced by G.
Protein change: p.Ser54Cys; replaces serine 54 with cysteine.
Molecular consequence: missense variant.
Genome position (GRCh38, 1-based): chr14:74,486,358, G>C on the plus strand (C>G on the coding strand, the complement: NPC2 is on the minus strand). VCF-style: chr14-74486358-G-C. GRCh37 (hg19) VCF-style: chr14-74953061-G-C.
Other names: c.161C>G, p.Ser54Cys (NM_001363688.1, NM_001375440.1); short protein forms S54C.
Identifiers: ClinVar variation 2011423 (VCV002011423.4), dbSNP rs2506107142, ClinGen allele CA390532689.
Genomic context (GRCh38, chr14:74,486,358, plus strand): 5'-TGAATTTGAGTTAAGAGCCACTTTTACGCACTGCTGGTGAAGGTGACATTGACGCTGTAA[G>C]ACTGTCCTTTGCTCAGCTGGCAGGGTTGGGTGGGGCATGGGCTCACATTCACTTCCTTTA-3'
Protein context (NP_006423.1, residues 44-64): TQPCQLSKGQ[Ser54Cys]YSVNVTFTSN